The following is an entry in ClinVar:

NM_006180.6(NTRK2):c.1938G>A (p.Arg646=)

Gene: NTRK2 (neurotrophic receptor tyrosine kinase 2; plus strand). Cytogenetic location: 9q21.33.
Variant type: single nucleotide variant.
Coding change: c.1938G>A on transcript NM_006180.6 (MANE Select); coding-DNA position 1938, G replaced by A.
Protein change: p.Arg646=; no amino-acid change (arginine 646 retained).
Molecular consequence: synonymous variant.
Genome position (GRCh38, 1-based): chr9:84,955,283, G>A. VCF-style: chr9-84955283-G-A. GRCh37 (hg19) VCF-style: chr9-87570198-G-A.
Other names: c.1890G>A, p.Arg630= (NM_001018064.3, NM_001369532.1, NM_001369533.1); c.1854G>A, p.Arg618= (NM_001369534.1); c.1422G>A, p.Arg474= (NM_001369535.1); c.1470G>A, p.Arg490= (NM_001369536.1); c.1938G>A, p.Arg646= (NM_001381928.1).
Identifiers: ClinVar variation 2805148 (VCV002805148.3), dbSNP rs2132971056, ClinGen allele CA465983594.

ClinVar aggregate classification (germline): Uncertain significance (1 of 4 stars; one submission).

Submission:

Labcorp Genetics (formerly Invitae), Labcorp
Classification: Uncertain significance. Last evaluated: 2024-01-10. Review status: criteria provided, single submitter. Criteria: Invitae Variant Classification Sherloc (09022015). Collection method: clinical testing. Allele origin: germline.
Comment: This sequence change affects codon 646 of the NTRK2 mRNA. It is a 'silent' change, meaning that it does not change the encoded amino acid sequence of the NTRK2 protein. It affects a nucleotide within the consensus splice site. This variant is not present in population databases (gnomAD no frequency). This variant has not been reported in the literature in individuals affected with NTRK2-related conditions. Algorithms developed to predict the effect of sequence changes on RNA splicing suggest that this variant is not likely to affect RNA splicing. In summary, the available evidence is currently insufficient to determine the role of this variant in disease. Therefore, it has been classified as a Variant of Uncertain Significance.